The following is an entry in ClinVar:

NM_000059.4(BRCA2):c.1229A>G (p.Lys410Arg)

Gene: BRCA2 (BRCA2 DNA repair associated; plus strand). Cytogenetic location: 13q13.1.
Variant type: single nucleotide variant.
Coding change: c.1229A>G on transcript NM_000059.4 (MANE Select); coding-DNA position 1229, A replaced by G.
Protein change: p.Lys410Arg; replaces lysine 410 with arginine.
Molecular consequence: missense variant.
Genome position (GRCh38, 1-based): chr13:32,332,707, A>G. VCF-style: chr13-32332707-A-G. GRCh37 (hg19) VCF-style: chr13-32906844-A-G.
Other names: short protein forms K410R.
Identifiers: ClinVar variation 462229 (VCV000462229.10), dbSNP rs1555281782, ClinGen allele CA387762180.

ClinVar aggregate classification (germline): Conflicting classifications of pathogenicity. Review status: criteria provided, conflicting classifications (1 of 4 stars). 2 submissions from 2 submitters: Uncertain significance (1); Likely benign (1). Last evaluated 2023-03-23.

Conditions:
Hereditary breast ovarian cancer syndrome. Also called: Hereditary breast and ovarian cancer syndrome (HBOC); Hereditary breast and ovarian cancer syndrome; Breast and ovarian cancer; Hereditary breast and/or ovarian cancer syndrome; Hereditary breast and ovarian cancer; BRCA1- and BRCA2-Associated Hereditary Breast and Ovarian Cancer. Identifiers: Orphanet 145, MedGen C0677776, MeSH D061325, MONDO:0003582. Disease mechanism: loss of function.
Hereditary cancer-predisposing syndrome. Also called: Neoplastic Syndromes, Hereditary; Hereditary Cancer Syndrome; Hereditary neoplastic syndrome; Tumor predisposition. Identifiers: Orphanet 140162, MedGen C0027672, MeSH D009386, MONDO:0015356.

Submissions (2):

University of Washington Department of Laboratory Medicine, University of Washington
Classification: Likely benign for Hereditary cancer-predisposing syndrome. Last evaluated: 2023-03-23. Review status: criteria provided, single submitter. Criteria: Dines et al. (Genet Med. 2020). Collection method: curation. Allele origin: germline.
Comment: Missense variant in a coldspot region where missense variants are very unlikely to be pathogenic (PMID:31911673).

BRCA2 exon 10 coldspot. Reclassification based on statistical prior probability.

Labcorp Genetics (formerly Invitae), Labcorp
Classification: Uncertain significance for Hereditary breast ovarian cancer syndrome. Last evaluated: 2017-07-04. Review status: criteria provided, single submitter. Criteria: Invitae Variant Classification Sherloc (09022015). Collection method: clinical testing. Allele origin: germline.
Comment: Algorithms developed to predict the effect of missense changes on protein structure and function output the following: SIFT: "Tolerated"; PolyPhen-2: "Benign"; Align-GVGD: "Class C0". The arginine amino acid residue is found in multiple mammalian species, suggesting that this missense change does not adversely affect protein function. These predictions have not been confirmed by published functional studies and their clinical significance is uncertain. In summary, the available evidence is currently insufficient to determine the role of this variant in disease. Therefore, it has been classified as a Variant of Uncertain Significance. This variant has not been reported in the literature in individuals with BRCA2-related disease. This variant is not present in population databases (ExAC no frequency). This sequence change replaces lysine with arginine at codon 410 of the BRCA2 protein (p.Lys410Arg). The lysine residue is moderately conserved and there is a small physicochemical difference between lysine and arginine.